The following is an entry in ClinVar:

NM_000535.7(PMS2):c.233A>C (p.Glu78Ala)

Gene: PMS2 (PMS1 homolog 2, mismatch repair system component; minus strand). Cytogenetic location: 7p22.1.
Variant type: single nucleotide variant.
Coding change: c.233A>C on transcript NM_000535.7 (MANE Select); coding-DNA position 233, A replaced by C.
Protein change: p.Glu78Ala; replaces glutamic acid 78 with alanine.
Molecular consequence: missense variant. On other transcripts: 5 prime UTR variant (37), non-coding transcript variant (1), intron variant (1).
Genome position (GRCh38, 1-based): chr7:6,003,989, T>G on the plus strand (A>C on the coding strand, the complement: PMS2 is on the minus strand). VCF-style: chr7-6003989-T-G. GRCh37 (hg19) VCF-style: chr7-6043620-T-G.
Other names: c.-173A>C (NM_001018040.1, NM_001322003.2, NM_001322004.2 and 14 more transcripts); c.233A>C, p.Glu78Ala (NM_001322006.2, NM_001322014.2, NM_001406868.1 and 10 more transcripts); c.18A>C, p.Arg6Ser (NM_001322007.2, NM_001322008.2, NM_001406876.1 and 4 more transcripts); c.-652A>C (NM_001322011.2, NM_001322012.2); c.-252A>C (NM_001322015.2, NM_001406875.1, NM_001406877.1 and 3 more transcripts); c.419A>C, p.Glu140Ala (NM_001406866.1); c.-199A>C (NM_001406880.1); c.-149A>C (NM_001406881.1, NM_001406900.1); and 3 more; short protein forms E140A, E78A, R6S.
Identifiers: ClinVar variation 3232013 (VCV003232013.2), dbSNP rs2128829529, ClinGen allele CA366744786.

ClinVar aggregate classification (germline): Uncertain significance. Review status: criteria provided, multiple submitters, no conflicts (2 of 4 stars). 2 submissions from 2 submitters: Uncertain significance (2). Last evaluated 2025-02-06.

Conditions:
Hereditary nonpolyposis colorectal neoplasms. Identifiers: MedGen C0009405, MeSH D003123.
Hereditary cancer-predisposing syndrome. Also called: Neoplastic Syndromes, Hereditary; Tumor predisposition; Hereditary neoplastic syndrome; Hereditary Cancer Syndrome. Identifiers: Orphanet 140162, MedGen C0027672, MeSH D009386, MONDO:0015356.

Submissions (2):

Labcorp Genetics (formerly Invitae), Labcorp
Classification: Uncertain significance for Hereditary nonpolyposis colorectal neoplasms. Last evaluated: 2025-02-06. Review status: criteria provided, single submitter. Criteria: Invitae Variant Classification Sherloc (09022015). Collection method: clinical testing. Allele origin: germline.
Comment: This sequence change replaces glutamic acid, which is acidic and polar, with alanine, which is neutral and non-polar, at codon 78 of the PMS2 protein (p.Glu78Ala). This variant is not present in population databases (gnomAD no frequency). This variant has not been reported in the literature in individuals affected with PMS2-related conditions. ClinVar contains an entry for this variant (Variation ID: 3232013). Invitae Evidence Modeling incorporating data from in vitro experimental studies (internal data) indicates that this missense variant is not expected to disrupt PMS2 function with a negative predictive value of 95%. In summary, the available evidence is currently insufficient to determine the role of this variant in disease. Therefore, it has been classified as a Variant of Uncertain Significance.

Ambry Genetics
Classification: Uncertain significance for Hereditary cancer-predisposing syndrome. Last evaluated: 2024-02-06. Review status: criteria provided, single submitter. Criteria: Ambry Variant Classification Scheme 2023. Collection method: clinical testing. Allele origin: germline.
Comment: The p.E78A variant (also known as c.233A>C), located in coding exon 3 of the PMS2 gene, results from an A to C substitution at nucleotide position 233. The glutamic acid at codon 78 is replaced by alanine, an amino acid with dissimilar properties. This amino acid position is conserved. In addition, this alteration is predicted to be tolerated by in silico analysis. Based on the available evidence, the clinical significance of this alteration remains unclear.